The following is an entry in ClinVar:

ClinVar aggregate classification (germline): Uncertain significance (1 of 4 stars; one submission).

Conditions:
Bethlem myopathy 1A. Also called: MYOPATHY, BENIGN CONGENITAL, WITH CONTRACTURES; Bethlem Muscular Dystrophy; Bethlem myopathy 1. Identifiers: Orphanet 610, MedGen CN029274, MONDO:0024530, OMIM 158810.

Submission:

Labcorp Genetics (formerly Invitae), Labcorp
Classification: Uncertain significance for Bethlem myopathy 1A. Last evaluated: 2021-12-19. Review status: criteria provided, single submitter. Criteria: Invitae Variant Classification Sherloc (09022015). Collection method: clinical testing. Allele origin: germline.
Comment: This variant disrupts the triple helix domain of COL6A3. Glycine residues within the Gly-Xaa-Yaa repeats of the triple helix domain are required for the structure and stability of fibrillar collagens (PMID: 7695699, 8218237, 19344236). In COL6A3, missense variants at these glycine residues are significantly enriched in individuals with autosomal dominant disease (PMID: 15689448, 24038877) compared to the general population (ExAC). This sequence change replaces glycine, which is neutral and non-polar, with cysteine, which is neutral and slightly polar, at codon 2068 of the COL6A3 protein (p.Gly2068Cys). This variant is not present in population databases (gnomAD no frequency). This variant has not been reported in the literature in individuals affected with COL6A3-related conditions. Advanced modeling of protein sequence and biophysical properties (such as structural, functional, and spatial information, amino acid conservation, physicochemical variation, residue mobility, and thermodynamic stability) performed at Invitae indicates that this missense variant is expected to disrupt COL6A3 protein function. In summary, the available evidence is currently insufficient to determine the role of this variant in disease. Therefore, it has been classified as a Variant of Uncertain Significance.

Literature cited by the submitters: PubMed 7695699; PubMed 8218237; PubMed 19344236; PubMed 15689448; PubMed 24038877.

NM_004369.4(COL6A3):c.6202G>T (p.Gly2068Cys)

Gene: COL6A3 (collagen type VI alpha 3 chain; minus strand). Cytogenetic location: 2q37.3.
Variant type: single nucleotide variant.
Coding change: c.6202G>T on transcript NM_004369.4 (MANE Select); coding-DNA position 6202, G replaced by T.
Protein change: p.Gly2068Cys; replaces glycine 2068 with cysteine.
Molecular consequence: missense variant.
Genome position (GRCh38, 1-based): chr2:237,361,129, C>A on the plus strand (G>T on the coding strand, the complement: COL6A3 is on the minus strand). VCF-style: chr2-237361129-C-A. GRCh37 (hg19) VCF-style: chr2-238269772-C-A.
Other names: c.4381G>T, p.Gly1461Cys (NM_057166.5); c.5584G>T, p.Gly1862Cys (NM_057167.4); short protein forms G2068C, G1461C, G1862C.
Identifiers: ClinVar variation 2047806 (VCV002047806.4), dbSNP rs2469865043, ClinGen allele CA351217389.